The following is an entry in ClinVar:

ClinVar aggregate classification (germline): Uncertain significance. Review status: criteria provided, multiple submitters, no conflicts (2 of 4 stars). 3 submissions from 3 submitters: Uncertain significance (3). Last evaluated 2025-08-04.

Allele frequency attached by ClinVar (database versions not stated): ExAC 0.00001; gnomAD exomes 0.00001 and 0.00002; TOPMed 0.00001; ESP Exome Variant Server 0.00008.
gnomAD v4.1: 28 of 1,614,012 alleles (0.0017%); highest among the groups gnomAD compares: Non-Finnish European, 0.0023%; no homozygotes.

Submissions (3):

GeneDx
Classification: Uncertain significance. Last evaluated: 2025-08-04. Review status: criteria provided, single submitter. Criteria: GeneDx Variant Classification Process June 2021. Collection method: clinical testing. Allele origin: germline. Affected: yes.
Comment: Not observed at significant frequency in large population cohorts (gnomAD); In silico analysis supports that this missense variant has a deleterious effect on protein structure/function; Has not been previously published as pathogenic or benign to our knowledge

Labcorp Genetics (formerly Invitae), Labcorp
Classification: Uncertain significance. Last evaluated: 2022-02-02. Review status: criteria provided, single submitter. Criteria: Invitae Variant Classification Sherloc (09022015). Collection method: clinical testing. Allele origin: germline.
Comment: Algorithms developed to predict the effect of missense changes on protein structure and function are either unavailable or do not agree on the potential impact of this missense change (SIFT: "Tolerated"; PolyPhen-2: "Probably Damaging"; Align-GVGD: "Class C0"). ClinVar contains an entry for this variant (Variation ID: 653939). This variant has not been reported in the literature in individuals affected with SCN3A-related conditions. This variant is present in population databases (rs144613665, gnomAD 0.01%). This sequence change replaces alanine, which is neutral and non-polar, with valine, which is neutral and non-polar, at codon 2 of the SCN3A protein (p.Ala2Val). Algorithms developed to predict the effect of sequence changes on RNA splicing suggest that this variant may create or strengthen a splice site. In summary, the available evidence is currently insufficient to determine the role of this variant in disease. Therefore, it has been classified as a Variant of Uncertain Significance.

Blueprint Genetics
Classification: Uncertain significance. Last evaluated: 2019-02-21. Review status: criteria provided, single submitter. Criteria: ACMG Guidelines, 2015. Collection method: clinical testing. Allele origin: germline.

NM_006922.4(SCN3A):c.5C>T (p.Ala2Val)

Gene: SCN3A (sodium voltage-gated channel alpha subunit 3; minus strand). Cytogenetic location: 2q24.3.
Variant type: single nucleotide variant.
Coding change: c.5C>T on transcript NM_006922.4 (MANE Select); coding-DNA position 5, C replaced by T.
Protein change: p.Ala2Val; replaces alanine 2 with valine.
Molecular consequence: missense variant.
Genome position (GRCh38, 1-based): chr2:165,176,390, G>A on the plus strand (C>T on the coding strand, the complement: SCN3A is on the minus strand). VCF-style: chr2-165176390-G-A. GRCh37 (hg19) VCF-style: chr2-166032900-G-A.
Other names: c.5C>T, p.Ala2Val (NM_001081676.2, NM_001081677.2); short protein forms A2V.
Identifiers: ClinVar variation 653939 (VCV000653939.9), dbSNP rs144613665, ClinGen allele CA1939518.